The following is an entry in ClinVar:

NM_000709.4(BCKDHA):c.1189G>A (p.Ala397Thr)

Gene: BCKDHA (branched chain keto acid dehydrogenase E1 subunit alpha; plus strand). Cytogenetic location: 19q13.2.
Variant type: single nucleotide variant.
Coding change: c.1189G>A on transcript NM_000709.4 (MANE Select); coding-DNA position 1189, G replaced by A.
Protein change: p.Ala397Thr; replaces alanine 397 with threonine.
Molecular consequence: missense variant.
Genome position (GRCh38, 1-based): chr19:41,424,459, G>A. VCF-style: chr19-41424459-G-A. GRCh37 (hg19) VCF-style: chr19-41930364-G-A.
Other names: c.1186G>A, p.Ala396Thr (NM_001164783.2); short protein forms A396T, A397T.
Identifiers: ClinVar variation 1744317 (VCV001744317.4), dbSNP rs370067953, ClinGen allele CA9461399.

ClinVar aggregate classification (germline): Uncertain significance. Review status: criteria provided, multiple submitters, no conflicts (2 of 4 stars). 2 submissions from 2 submitters: Uncertain significance (2). Last evaluated 2022-03-03.

Conditions:
Maple syrup urine disease (MSUD). Identifiers: Orphanet 511, MedGen C0024776, MeSH D008375, MONDO:0009563. Disease mechanism: loss of function.
Inborn genetic diseases. Identifiers: MedGen C0950123, MeSH D030342.

Allele frequency attached by ClinVar (database versions not stated): gnomAD exomes 0.00002; ExAC 0.00003; gnomAD 0.00004; TOPMed 0.00004; ESP Exome Variant Server 0.00008.

Submissions (2):

Ambry Genetics
Classification: Uncertain significance for Inborn genetic diseases. Last evaluated: 2022-03-03. Review status: criteria provided, single submitter. Criteria: Ambry Variant Classification Scheme 2023. Collection method: clinical testing. Allele origin: germline.
Comment: The p.A397T variant (also known as c.1189G>A), located in coding exon 9 of the BCKDHA gene, results from a G to A substitution at nucleotide position 1189. The alanine at codon 397 is replaced by threonine, an amino acid with similar properties. This amino acid position is conserved. In addition, this alteration is predicted to be deleterious by in silico analysis. Since supporting evidence is limited at this time, the clinical significance of this alteration remains unclear.

Labcorp Genetics (formerly Invitae), Labcorp
Classification: Uncertain significance for Maple syrup urine disease. Last evaluated: 2022-01-17. Review status: criteria provided, single submitter. Criteria: Invitae Variant Classification Sherloc (09022015). Collection method: clinical testing. Allele origin: germline.
Comment: This sequence change replaces alanine, which is neutral and non-polar, with threonine, which is neutral and polar, at codon 397 of the BCKDHA protein (p.Ala397Thr). This variant is present in population databases (rs370067953, gnomAD 0.09%). This variant has not been reported in the literature in individuals affected with BCKDHA-related conditions. Advanced modeling of protein sequence and biophysical properties (such as structural, functional, and spatial information, amino acid conservation, physicochemical variation, residue mobility, and thermodynamic stability) performed at Invitae indicates that this missense variant is expected to disrupt BCKDHA protein function. In summary, the available evidence is currently insufficient to determine the role of this variant in disease. Therefore, it has been classified as a Variant of Uncertain Significance.